The following is an entry in ClinVar:

ClinVar aggregate classification (germline): Uncertain significance (1 of 4 stars; one submission).

Conditions:
GLUT1 deficiency syndrome 1, autosomal recessive. Identifiers: MedGen C3149117.

Submission:

Labcorp Genetics (formerly Invitae), Labcorp
Classification: Uncertain significance for GLUT1 deficiency syndrome 1, autosomal recessive. Last evaluated: 2021-11-02. Review status: criteria provided, single submitter. Criteria: Invitae Variant Classification Sherloc (09022015). Collection method: clinical testing. Allele origin: germline.
Comment: In summary, the available evidence is currently insufficient to determine the role of this variant in disease. Therefore, it has been classified as a Variant of Uncertain Significance. Algorithms developed to predict the effect of sequence changes on RNA splicing suggest that this variant may disrupt the consensus splice site. This variant has not been reported in the literature in individuals affected with SLC2A1-related conditions. This variant is not present in population databases (gnomAD no frequency). This sequence change falls in intron 1 of the SLC2A1 gene. It does not directly change the encoded amino acid sequence of the SLC2A1 protein.

NM_006516.4(SLC2A1):c.19-4G>T

Gene: SLC2A1 (solute carrier family 2 member 1; minus strand). Cytogenetic location: 1p34.2.
Variant type: single nucleotide variant.
Coding change: c.19-4G>T on transcript NM_006516.4 (MANE Select); 4 bases into the intron before coding-DNA position 19, G replaced by T.
Molecular consequence: intron variant.
Genome position (GRCh38, 1-based): chr1:42,943,325, C>A on the plus strand (G>T on the coding strand, the complement: SLC2A1 is on the minus strand). VCF-style: chr1-42943325-C-A. GRCh37 (hg19) VCF-style: chr1-43408996-C-A.
Identifiers: ClinVar variation 1427477 (VCV001427477.6), dbSNP rs398124229, ClinGen allele CA2573132294.